The following is an entry in ClinVar:

ClinVar aggregate classification (germline): Uncertain significance (1 of 4 stars; one submission).

Conditions:
Adams-Oliver syndrome 5 (AOS5). Identifiers: Orphanet 974, MedGen C4014970, MONDO:0014459, OMIM 616028.

Submission:

Labcorp Genetics (formerly Invitae), Labcorp
Classification: Uncertain significance for Adams-Oliver syndrome 5. Last evaluated: 2022-08-10. Review status: criteria provided, single submitter. Criteria: Invitae Variant Classification Sherloc (09022015). Collection method: clinical testing. Allele origin: germline.
Comment: Experimental studies and prediction algorithms are not available or were not evaluated, and the functional significance of this variant is currently unknown. This variant has not been reported in the literature in individuals affected with NOTCH1-related conditions. This variant is not present in population databases (gnomAD no frequency). In summary, the available evidence is currently insufficient to determine the role of this variant in disease. Therefore, it has been classified as a Variant of Uncertain Significance. This variant, c.2326_2328del, results in the deletion of 1 amino acid(s) of the NOTCH1 protein (p.Val776del), but otherwise preserves the integrity of the reading frame.

NM_017617.5(NOTCH1):c.2326_2328del (p.Val776del)

Gene: NOTCH1 (notch receptor 1; minus strand). Cytogenetic location: 9q34.3.
Variant type: Deletion.
Coding change: c.2326_2328del on transcript NM_017617.5 (MANE Select); coding-DNA positions 2326 to 2328, 3 bases deleted (GTG; older notation c.2326_2328delGTG).
Protein change: p.Val776del; deletes valine 776.
Molecular consequence: inframe deletion.
Genome position (GRCh38, 1-based): chr9:136,513,417-136,513,419, CAC deleted on the plus strand (GTG on the coding strand, the reverse complement: NOTCH1 is on the minus strand). VCF-style (leftmost placement, unchanged base first): chr9-136513416-ACAC-A. GRCh37 (hg19) VCF-style: chr9-139407868-ACAC-A.
Other names: short protein forms V776del.
Identifiers: ClinVar variation 2023374 (VCV002023374.4), dbSNP rs2540452840, ClinGen allele CA2580080961.